The following is an entry in ClinVar:

NM_001122681.2(SH3BP2):c.1655G>A (p.Arg552Gln)

Gene: SH3BP2 (SH3 domain binding protein 2; plus strand). Cytogenetic location: 4p16.3.
Variant type: single nucleotide variant.
Coding change: c.1655G>A on transcript NM_001122681.2 (MANE Select); coding-DNA position 1655, G replaced by A.
Protein change: p.Arg552Gln; replaces arginine 552 with glutamine.
Molecular consequence: missense variant.
Genome position (GRCh38, 1-based): chr4:2,833,803, G>A. VCF-style: chr4-2833803-G-A. GRCh37 (hg19) VCF-style: chr4-2835530-G-A.
Other names: c.1655G>A, p.Arg552Gln (LRG_1334t1, NM_003023.4); c.1739G>A, p.Arg580Gln (LRG_1334t2, NM_001145855.2); c.1826G>A, p.Arg609Gln (NM_001145856.2); short protein forms R552Q, R580Q, R609Q.
Identifiers: ClinVar variation 662664 (VCV000662664.19), dbSNP rs374608155, ClinGen allele CA2819652.

ClinVar aggregate classification (germline): Benign/Likely benign. Review status: criteria provided, multiple submitters, no conflicts (2 of 4 stars). 5 submissions from 5 submitters: Benign (1); Likely benign (4). Last evaluated 2025-10-30.

Conditions:
Fibrous dysplasia of jaw (CRBM). Also called: Cherubism. Identifiers: Orphanet 184, MedGen C0008029, MONDO:0007315, OMIM 118400.
Inborn genetic diseases. Identifiers: MedGen C0950123, MeSH D030342.
SH3BP2-related disorder. Also called: SH3BP2-related condition.

Allele frequency attached by ClinVar (database versions not stated): gnomAD 0.00014; ESP Exome Variant Server 0.00015; gnomAD exomes 0.00017; TOPMed 0.00023; ExAC 0.00025.
gnomAD v4.1: 180 of 1,589,688 alleles (0.011%); highest among the groups gnomAD compares: Admixed American, 0.054%; no homozygotes.

Submissions (5):

PreventionGenetics, part of Exact Sciences
Classification: Likely benign for SH3BP2-related condition. Last evaluated: 2025-10-30. Review status: criteria provided, single submitter. Criteria: ACMG Guidelines, 2015. Collection method: clinical testing. Allele origin: germline.
Comment: This variant is classified as likely benign based on ACMG/AMP sequence variant interpretation guidelines (Richards et al. 2015 PMID: 25741868, with internal and published modifications).

Labcorp Genetics (formerly Invitae), Labcorp
Classification: Likely benign for Fibrous dysplasia of jaw. Last evaluated: 2025-10-21. Review status: criteria provided, single submitter. Criteria: Invitae Variant Classification Sherloc (09022015). Collection method: clinical testing. Allele origin: germline.

Laboratory of Genetics, Children's Clinical University Hospital Latvia
Classification: Likely benign. Last evaluated: 2025-02-16. Review status: criteria provided, single submitter. Criteria: ACMG Guidelines, 2015. Collection method: clinical testing. Allele origin: germline. Affected: yes.

Ambry Genetics
Classification: Likely benign for Inborn genetic diseases. Last evaluated: 2021-08-16. Review status: criteria provided, single submitter. Criteria: Ambry Variant Classification Scheme 2023. Collection method: clinical testing. Allele origin: germline.

Illumina Laboratory Services, Illumina
Classification: Benign for Fibrous dysplasia of jaw. Last evaluated: 2018-01-12. Review status: criteria provided, single submitter. Criteria: ICSL Variant Classification Criteria 13 December 2019. Collection method: clinical testing. Allele origin: germline.
Comment: This variant was observed in the ICSL laboratory as part of a predisposition screen in an ostensibly healthy population. It had not been previously curated by ICSL or reported in the Human Gene Mutation Database (HGMD: prior to June 1st, 2018), and was therefore a candidate for classification through an automated scoring system. Utilizing variant allele frequency, disease prevalence and penetrance estimates, and inheritance mode, an automated score was calculated to assess if this variant is too frequent to cause the disease. Based on the score and internal cut-off values, a variant classified as benign is not then subjected to further curation. The score for this variant resulted in a classification of benign for this disease.